The following is an entry in ClinVar:

NM_001458.5(FLNC):c.4018T>G (p.Phe1340Val)

Gene: FLNC (filamin C; plus strand). Cytogenetic location: 7q32.1.
Variant type: single nucleotide variant.
Coding change: c.4018T>G on transcript NM_001458.5 (MANE Select); coding-DNA position 4018, T replaced by G.
Protein change: p.Phe1340Val; replaces phenylalanine 1340 with valine.
Molecular consequence: missense variant.
Genome position (GRCh38, 1-based): chr7:128,846,354, T>G. VCF-style: chr7-128846354-T-G. GRCh37 (hg19) VCF-style: chr7-128486408-T-G.
Other names: c.4018T>G, p.Phe1340Val (NM_001127487.2); short protein forms F1340V.
Identifiers: ClinVar variation 650448 (VCV000650448.12), dbSNP rs775383465, ClinGen allele CA369198952.

ClinVar aggregate classification (germline): Uncertain significance. Review status: criteria provided, multiple submitters, no conflicts (2 of 4 stars). 2 submissions from 2 submitters: Uncertain significance (2). Last evaluated 2025-02-11.

Conditions:
Cardiovascular phenotype. Identifiers: MedGen CN230736.
Hypertrophic cardiomyopathy 26. Also called: Cardiomyopathy, familial hypertrophic, 26. Identifiers: Orphanet 75249, MedGen C4310749, MONDO:0014883, OMIM 617047.
Myofibrillar myopathy 5. Also called: Filaminopathy (type); FILAMINOPATHY, AUTOSOMAL DOMINANT. Identifiers: Orphanet 171445, MedGen C1836050, MONDO:0012289, OMIM 609524.
Distal myopathy with posterior leg and anterior hand involvement. Also called: WILLIAMS DISTAL MYOPATHY. Identifiers: Orphanet 63273, MedGen C3279722, MONDO:0013550, OMIM 614065.

gnomAD v4.1: 1 of 1,613,584 alleles (0.000062%); highest among the groups gnomAD compares: Admixed American, 0.0017%; no homozygotes.

Submissions (2):

Labcorp Genetics (formerly Invitae), Labcorp
Classification: Uncertain significance for Distal myopathy with posterior leg and anterior hand involvement; Myofibrillar myopathy 5; Hypertrophic cardiomyopathy 26. Last evaluated: 2025-02-11. Review status: criteria provided, single submitter. Criteria: Invitae Variant Classification Sherloc (09022015). Collection method: clinical testing. Allele origin: germline.
Comment: This sequence change replaces phenylalanine, which is neutral and non-polar, with valine, which is neutral and non-polar, at codon 1340 of the FLNC protein (p.Phe1340Val). This variant is not present in population databases (gnomAD no frequency). This variant has not been reported in the literature in individuals affected with FLNC-related conditions. ClinVar contains an entry for this variant (Variation ID: 650448). Invitae Evidence Modeling of protein sequence and biophysical properties (such as structural, functional, and spatial information, amino acid conservation, physicochemical variation, residue mobility, and thermodynamic stability) has been performed for this missense variant. However, the output from this modeling did not meet the statistical confidence thresholds required to predict the impact of this variant on FLNC protein function. In summary, the available evidence is currently insufficient to determine the role of this variant in disease. Therefore, it has been classified as a Variant of Uncertain Significance.

Ambry Genetics
Classification: Uncertain significance for Cardiovascular phenotype. Last evaluated: 2024-09-14. Review status: criteria provided, single submitter. Criteria: Ambry Variant Classification Scheme 2023. Collection method: clinical testing. Allele origin: germline.
Comment: The p.F1340V variant (also known as c.4018T>G), located in coding exon 23 of the FLNC gene, results from a T to G substitution at nucleotide position 4018. The phenylalanine at codon 1340 is replaced by valine, an amino acid with highly similar properties. This amino acid position is conserved. In addition, this alteration is predicted to be deleterious by in silico analysis. Based on the available evidence, the clinical significance of this variant remains unclear.